The following is an entry in ClinVar:

NM_130810.4(DNAAF4):c.1118G>A (p.Gly373Glu)

Genes: DNAAF4 (dynein axonemal assembly factor 4; minus strand), DNAAF4-CCPG1 (DNAAF4-CCPG1 readthrough (NMD candidate); minus strand). Cytogenetic location: 15q21.3.
Variant type: single nucleotide variant.
Coding change: c.1118G>A on transcript NM_130810.4 (MANE Select); coding-DNA position 1118, G replaced by A.
Protein change: p.Gly373Glu; replaces glycine 373 with glutamic acid.
Molecular consequence: missense variant. On other transcripts: non-coding transcript variant (1), intron variant (2).
Genome position (GRCh38, 1-based): chr15:55,432,532, C>T on the plus strand (G>A on the coding strand, the complement: DNAAF4 is on the minus strand). VCF-style: chr15-55432532-C-T. GRCh37 (hg19) VCF-style: chr15-55724730-C-T.
Other names: c.1047+2373G>A (NM_001033560.2); c.1048-1753G>A (NM_001033559.3); short protein forms G373E.
Identifiers: ClinVar variation 454958 (VCV000454958.9), dbSNP rs1555413614, ClinGen allele CA392547409.

ClinVar aggregate classification (germline): Conflicting classifications of pathogenicity. Review status: criteria provided, conflicting classifications (1 of 4 stars). 2 submissions from 2 submitters: Pathogenic (1); Uncertain significance (1). Last evaluated 2025-06-02.

Submissions (2):

Labcorp Genetics (formerly Invitae), Labcorp
Classification: Pathogenic. Last evaluated: 2025-06-02. Review status: criteria provided, single submitter. Criteria: Invitae Variant Classification Sherloc (09022015). Collection method: clinical testing. Allele origin: germline.
Comment: This sequence change replaces glycine, which is neutral and non-polar, with glutamic acid, which is acidic and polar, at codon 373 of the DYX1C1 protein (p.Gly373Glu). This variant is not present in population databases (gnomAD no frequency). This missense change has been observed in individual(s) with autosomal recessive primary ciliary dyskinesia (PMID: 36583018; internal data). In at least one individual the data is consistent with being in trans (on the opposite chromosome) from a pathogenic variant. ClinVar contains an entry for this variant (Variation ID: 454958). Invitae Evidence Modeling of protein sequence and biophysical properties (such as structural, functional, and spatial information, amino acid conservation, physicochemical variation, residue mobility, and thermodynamic stability) indicates that this missense variant is expected to disrupt DYX1C1 protein function with a positive predictive value of 80%. Experimental studies have shown that this missense change affects DYX1C1 function (PMID: 36583018). For these reasons, this variant has been classified as Pathogenic.

GeneDx
Classification: Uncertain significance. Last evaluated: 2022-06-21. Review status: criteria provided, single submitter. Criteria: GeneDx Variant Classification Process June 2021. Collection method: clinical testing. Allele origin: germline. Affected: yes.
Comment: Not observed at significant frequency in large population cohorts (gnomAD); In silico analysis supports that this missense variant has a deleterious effect on protein structure/function; Has not been previously published as pathogenic or benign to our knowledge

Literature cited by the submitters: PubMed 36583018 (cited by Labcorp Genetics (formerly Invitae), Labcorp).